The following is an entry in ClinVar:

ClinVar aggregate classification (germline): Uncertain significance (1 of 4 stars; one submission).

Allele frequency attached by ClinVar (database versions not stated): gnomAD 0.00001; gnomAD exomes 0.00001; TOPMed 0.00002; ExAC 0.00004.
gnomAD v4.1: 11 of 1,189,181 alleles (0.00093%); highest among the groups gnomAD compares: East Asian, 0.018%; no homozygotes.

Submission:

Labcorp Genetics (formerly Invitae), Labcorp
Classification: Uncertain significance. Last evaluated: 2021-07-14. Review status: criteria provided, single submitter. Criteria: Invitae Variant Classification Sherloc (09022015). Collection method: clinical testing. Allele origin: germline.
Comment: In summary, the available evidence is currently insufficient to determine the role of this variant in disease. Therefore, it has been classified as a Variant of Uncertain Significance. This sequence change replaces glycine with serine at codon 476 of the CACNA1F protein (p.Gly476Ser). The glycine residue is weakly conserved and there is a small physicochemical difference between glycine and serine. Algorithms developed to predict the effect of missense changes on protein structure and function (SIFT, PolyPhen-2, Align-GVGD) all suggest that this variant is likely to be tolerated. This variant has not been reported in the literature in individuals affected with CACNA1F-related conditions. The frequency data for this variant in the population databases is considered unreliable, as metrics indicate poor data quality at this position in the ExAC database.

NM_001256789.3(CACNA1F):c.1393G>A (p.Gly465Ser)

Gene: CACNA1F (calcium voltage-gated channel subunit alpha1 F; minus strand). Cytogenetic location: Xp11.23.
Variant type: single nucleotide variant.
Coding change: c.1393G>A on transcript NM_001256789.3 (MANE Select); coding-DNA position 1393, G replaced by A.
Protein change: p.Gly465Ser; replaces glycine 465 with serine.
Molecular consequence: missense variant.
Genome position (GRCh38, 1-based): chrX:49,226,479, C>T on the plus strand (G>A on the coding strand, the complement: CACNA1F is on the minus strand). VCF-style: chrX-49226479-C-T. GRCh37 (hg19) VCF-style: chrX-49082941-C-T.
Other names: c.1231G>A, p.Gly411Ser (NM_001256790.3); c.1426G>A, p.Gly476Ser (NM_005183.4); short protein forms G465S, G411S, G476S.
Identifiers: ClinVar variation 1372520 (VCV001372520.8), dbSNP rs782037517, ClinGen allele CA10410879.